The following is an entry in ClinVar:

NM_015512.5(DNAH1):c.11552G>A (p.Arg3851His)

Gene: DNAH1 (dynein axonemal heavy chain 1; plus strand). Cytogenetic location: 3p21.1.
Variant type: single nucleotide variant.
Coding change: c.11552G>A on transcript NM_015512.5 (MANE Select); coding-DNA position 11552, G replaced by A.
Protein change: p.Arg3851His; replaces arginine 3851 with histidine.
Molecular consequence: missense variant.
Genome position (GRCh38, 1-based): chr3:52,396,739, G>A. VCF-style: chr3-52396739-G-A. GRCh37 (hg19) VCF-style: chr3-52430755-G-A.
Other names: c.11552G>A (NM_015512.4); short protein forms R3851H.
Identifiers: ClinVar variation 1443221 (VCV001443221.11), dbSNP rs757435709, ClinGen allele CA2436210.

ClinVar aggregate classification (germline): Uncertain significance. Review status: criteria provided, multiple submitters, no conflicts (2 of 4 stars). 4 submissions from 4 submitters: Uncertain significance (4). Last evaluated 2024-10-01.

Conditions:
Spermatogenic failure 18. Identifiers: MedGen C4539783, MONDO:0054615, OMIM 617576.
Ciliary dyskinesia, primary, 37 (CILD37). Also called: CILIARY DYSKINESIA, PRIMARY, 37, WITH OR WITHOUT SITUS INVERSUS. Identifiers: MedGen C4539798, MONDO:0033204, OMIM 617577.

Allele frequency attached by ClinVar (database versions not stated): ExAC 0.00001; gnomAD 0.00001; gnomAD exomes 0.00001 and 0.00002; TOPMed 0.00002.
gnomAD v4.1: 17 of 1,613,604 alleles (0.0011%); highest among the groups gnomAD compares: East Asian, 0.0067%; no homozygotes.

Submissions (4):

Ambry Genetics
Classification: Uncertain significance. Last evaluated: 2024-10-01. Review status: criteria provided, single submitter. Criteria: Ambry Variant Classification Scheme 2023. Collection method: clinical testing. Allele origin: germline.

Genomic Medicine Center of Excellence, King Faisal Specialist Hospital and Research Centre
Classification: Uncertain significance for Spermatogenic failure 18. Last evaluated: 2024-04-04. Review status: criteria provided, single submitter. Criteria: ACMG Guidelines, 2015. Collection method: clinical testing. Allele origin: germline.

Blueprint Genetics
Classification: Uncertain significance. Last evaluated: 2021-09-03. Review status: criteria provided, single submitter. Criteria: ACMG Guidelines, 2015. Collection method: clinical testing. Allele origin: germline.

Labcorp Genetics (formerly Invitae), Labcorp
Classification: Uncertain significance for Ciliary dyskinesia, primary, 37; Spermatogenic failure 18. Last evaluated: 2021-07-13. Review status: criteria provided, single submitter. Criteria: Invitae Variant Classification Sherloc (09022015). Collection method: clinical testing. Allele origin: germline.
Comment: This sequence change replaces arginine with histidine at codon 3851 of the DNAH1 protein (p.Arg3851His). The arginine residue is highly conserved and there is a small physicochemical difference between arginine and histidine. This variant is present in population databases (rs757435709, ExAC 0.002%). This variant has not been reported in the literature in individuals affected with DNAH1-related conditions. Algorithms developed to predict the effect of missense changes on protein structure and function are either unavailable or do not agree on the potential impact of this missense change (SIFT: "Deleterious"; PolyPhen-2: "Probably Damaging"; Align-GVGD: "Class C0"). In summary, the available evidence is currently insufficient to determine the role of this variant in disease. Therefore, it has been classified as a Variant of Uncertain Significance.